The following is an entry in ClinVar:

ClinVar aggregate classification (germline): Conflicting classifications of pathogenicity. Review status: criteria provided, conflicting classifications (1 of 4 stars). 13 submissions from 11 submitters: Uncertain significance (3); Benign (2); Likely benign (8). Last evaluated 2026-06-19.

Conditions:
DSP-related disorder. Also called: DSP-related condition; DSP-related disorders.
Cardiovascular phenotype. Identifiers: MedGen CN230736.
Arrhythmogenic right ventricular dysplasia 8 (ARVD8). Also called: Arrhythmogenic Right Ventricular Dysplasia/Cardiomyopathy 8; ARRHYTHMOGENIC RIGHT VENTRICULAR DYSPLASIA, FAMILIAL, 8; ARRHYTHMOGENIC RIGHT VENTRICULAR CARDIOMYOPATHY 8. Identifiers: MedGen C1843896, MONDO:0011831, OMIM 607450.
Arrhythmogenic cardiomyopathy with wooly hair and keratoderma. Also called: PALMOPLANTAR KERATODERMA WITH LEFT VENTRICULAR CARDIOMYOPATHY AND WOOLLY HAIR; Carvajal syndrome; Dilated cardiomyopathy with woolly hair and keratoderma; Arrhythmogenic cardiomyopathy with woolly hair and keratoderma. Identifiers: Orphanet 65282, MedGen C1854063, MONDO:0011581, OMIM 605676.
Cardiomyopathy (CMYO). Also called: Cardiomyopathies. Identifiers: Orphanet 167848, MedGen C0878544, MONDO:0004994, HP:0001638. Inheritance: Various modes of inheritance.
Lethal acantholytic epidermolysis bullosa (EBLA). Identifiers: Orphanet 158687, MedGen C1864826, MONDO:0012323, OMIM 609638.
Woolly hair-skin fragility syndrome (WHSF). Identifiers: Orphanet 293165, MedGen C1843292, MONDO:0957307, OMIM 620415.

Allele frequency attached by ClinVar (database versions not stated): gnomAD 0.00003; ESP Exome Variant Server 0.00008; TOPMed 0.00013.

Submissions (13):

PreventionGenetics, part of Exact Sciences
Classification: Likely benign for DSP-related condition. Last evaluated: 2026-06-19. Review status: criteria provided, single submitter. Criteria: ACMG Guidelines, 2015. Collection method: clinical testing. Allele origin: germline.
Comment: This variant is classified as likely benign based on ACMG/AMP sequence variant interpretation guidelines (Richards et al. 2015 PMID: 25741868, with internal and published modifications).

Labcorp Genetics (formerly Invitae), Labcorp
Classification: Likely benign for Arrhythmogenic cardiomyopathy with wooly hair and keratoderma; Arrhythmogenic right ventricular dysplasia 8. Last evaluated: 2026-01-27. Review status: criteria provided, single submitter. Criteria: Invitae Variant Classification Sherloc (09022015). Collection method: clinical testing. Allele origin: germline.

CeGaT Center for Human Genetics Tuebingen
Classification: Likely benign. Last evaluated: 2025-02-01. Review status: criteria provided, single submitter. Criteria: CeGaT Center For Human Genetics Tuebingen Variant Classification Criteria Version 2. Collection method: clinical testing. Allele origin: germline. Affected: yes. Observed: 2 variant alleles.
Comment: DSP: BP4, BP7

Blueprint Genetics
Classification: Likely benign. Last evaluated: 2024-11-08. Review status: criteria provided, single submitter. Criteria: ACMG Guidelines, 2015. Collection method: clinical testing. Allele origin: germline.

All of Us Research Program, National Institutes of Health
Classification: Likely benign for Arrhythmogenic cardiomyopathy with wooly hair and keratoderma. Last evaluated: 2024-01-11. Review status: criteria provided, single submitter. Criteria: ACMG Guidelines, 2015. Collection method: clinical testing. Allele origin: germline. Inheritance: Autosomal dominant inheritance. Observed: 39 variant alleles, 39 heterozygotes.
Comment: This study involves interpretation of variants in research participants for the purpose of population health screening. Participant phenotype was not available at the time of variant classification. Additional details can be found in publication PMID: 35346344, PMCID: PMC8962531

Ambry Genetics
Classification: Likely benign for Cardiovascular phenotype. Last evaluated: 2020-10-28. Review status: criteria provided, single submitter. Criteria: Ambry Variant Classification Scheme 2023. Collection method: clinical testing. Allele origin: germline.

Color Diagnostics, LLC DBA Color Health
Classification: Likely benign for Cardiomyopathy. Last evaluated: 2018-12-03. Review status: criteria provided, single submitter. Criteria: ACMG Guidelines, 2015. Collection method: clinical testing. Allele origin: germline.

CHEO Genetics Diagnostic Laboratory, Children's Hospital of Eastern Ontario
Classification: Benign for Cardiomyopathy. Last evaluated: 2018-10-01. Review status: criteria provided, single submitter. Criteria: ACMG Guidelines, 2015. Collection method: clinical testing. Allele origin: germline.

Illumina Laboratory Services, Illumina
Classification: Uncertain significance for Arrhythmogenic right ventricular dysplasia 8. Last evaluated: 2018-01-12. Review status: criteria provided, single submitter. Criteria: ICSL Variant Classification Criteria 13 December 2019. Collection method: clinical testing. Allele origin: germline.

Illumina Laboratory Services, Illumina
Classification: Uncertain significance for Arrhythmogenic cardiomyopathy with wooly hair and keratoderma. Last evaluated: 2018-01-12. Review status: criteria provided, single submitter. Criteria: ICSL Variant Classification Criteria 13 December 2019. Collection method: clinical testing. Allele origin: germline.

Illumina Laboratory Services, Illumina
Classification: Uncertain significance for Lethal acantholytic epidermolysis bullosa. Last evaluated: 2018-01-12. Review status: criteria provided, single submitter. Criteria: ICSL Variant Classification Criteria 13 December 2019. Collection method: clinical testing. Allele origin: germline.

GeneDx
Classification: Benign. Last evaluated: 2015-03-03. Review status: criteria provided, single submitter. Criteria: GeneDx Variant Classification Process June 2021. Collection method: clinical testing. Allele origin: germline. Affected: yes.

Laboratory for Molecular Medicine, Mass General Brigham Personalized Medicine
Classification: Likely benign. Last evaluated: 2012-03-19. Review status: criteria provided, single submitter. Criteria: LMM Criteria. Collection method: clinical testing. Allele origin: germline. Observed: 2 variant alleles.
Comment: p.Ala581Ala in exon 14 of DSP: This variant is not expected to have clinical sig nificance because it does not alter an amino acid residue and is not located wit hin the splice consensus sequence. It has been identified in 1/7020 European Ame rican chromosomes from a broad population by the NHLBI Exome Sequencing Project (dbSNP rs139095230). Ala581Ala in exon 14 of DSP (rs139095230; allele frequency = 1/7020) **

NM_004415.4(DSP):c.1743C>T (p.Ala581=)

Gene: DSP (desmoplakin; plus strand). Cytogenetic location: 6p24.3.
Variant type: single nucleotide variant.
Coding change: c.1743C>T on transcript NM_004415.4 (MANE Select); coding-DNA position 1743, C replaced by T.
Protein change: p.Ala581=; no amino-acid change (alanine 581 retained).
Molecular consequence: synonymous variant.
Genome position (GRCh38, 1-based): chr6:7,571,424, C>T. VCF-style: chr6-7571424-C-T. GRCh37 (hg19) VCF-style: chr6-7571657-C-T.
Other names: c.1743C>T (NM_004415.3); c.1743C>T, p.Ala581= (NM_001008844.3, NM_001319034.2).
Identifiers: ClinVar variation 178026 (VCV000178026.52), dbSNP rs139095230, ClinGen allele CA005132.
Genomic context (GRCh38, chr6:7,571,424, plus strand): 5'-TCTGCCTGTCTCCTTTCAGCTGAAAACAATGCGGCAGGAAGATTACATGAAGACGATAGC[C>T]GACCTTGAGTTACATTACCAAGAGTTCATCAGAAATAGCCAAGGCTCAGAGATGTTTGGA-3'
Protein context (NP_004406.2, residues 571-591): MRQEDYMKTI[Ala581=]DLELHYQEFI